The following is an entry in ClinVar:

NM_001267550.2(TTN):c.104932A>G (p.Asn34978Asp)

Genes: TTN (titin; minus strand), TTN-AS1 (TTN antisense RNA 1; plus strand). Cytogenetic location: 2q31.2.
Variant type: single nucleotide variant.
Coding change: c.104932A>G on transcript NM_001267550.2 (MANE Select); coding-DNA position 104932, A replaced by G.
Protein change: p.Asn34978Asp; replaces asparagine 34978 with aspartic acid.
Molecular consequence: missense variant.
Genome position (GRCh38, 1-based): chr2:178,531,683, T>C on the plus strand (A>G on the coding strand, the complement: TTN is on the minus strand). VCF-style: chr2-178531683-T-C. GRCh37 (hg19) VCF-style: chr2-179396410-T-C.
Other names: c.100009A>G, p.Asn33337Asp (NM_001256850.1); c.77737A>G, p.Asn25913Asp (NM_003319.4); c.97228A>G, p.Asn32410Asp (NM_133378.4); c.78112A>G, p.Asn26038Asp (NM_133432.3); c.78313A>G, p.Asn26105Asp (NM_133437.4); short protein forms N25913D, N32410D, N26105D, N34978D, N33337D, N26038D.
Identifiers: ClinVar variation 2195212 (VCV002195212.4), dbSNP rs1343194230, ClinGen allele CA349409854.

ClinVar aggregate classification (germline): Uncertain significance (1 of 4 stars; one submission).

Conditions:
Dilated cardiomyopathy 1G (CMD1G). Identifiers: Orphanet 154, MedGen C1858763, MONDO:0011400, OMIM 604145.
Autosomal recessive limb-girdle muscular dystrophy type 2J (LGMDR10). Also called: Limb-girdle muscular dystrophy, type 2J; MUSCULAR DYSTROPHY, LIMB-GIRDLE, AUTOSOMAL RECESSIVE 10. Identifiers: Orphanet 140922, MedGen C1837342, MONDO:0012127, OMIM 608807.

Allele frequency attached by ClinVar (database versions not stated): gnomAD exomes below 0.00001.

Submission:

Labcorp Genetics (formerly Invitae), Labcorp
Classification: Uncertain significance for Dilated cardiomyopathy 1G; Autosomal recessive limb-girdle muscular dystrophy type 2J. Last evaluated: 2022-10-25. Review status: criteria provided, single submitter. Criteria: Invitae Variant Classification Sherloc (09022015). Collection method: clinical testing. Allele origin: germline.
Comment: This variant is located in the M band of TTN (PMID: 25589632). Variants in this region may be relevant for neuromuscular disorders, but have not been definitively shown to cause cardiomyopathy (PMID: 23975875). In summary, the available evidence is currently insufficient to determine the role of this variant in disease. Therefore, it has been classified as a Variant of Uncertain Significance. Experimental studies and prediction algorithms are not available or were not evaluated, and the functional significance of this variant is currently unknown. This variant has not been reported in the literature in individuals affected with TTN-related conditions. This variant is present in population databases (no rsID available, gnomAD 0.0009%). This sequence change replaces asparagine, which is neutral and polar, with aspartic acid, which is acidic and polar, at codon 34978 of the TTN protein (p.Asn34978Asp).

Literature cited by the submitters: PubMed 25589632; PubMed 23975875.